The following is an entry in ClinVar:

NM_001098537.3(PNPLA7):c.2803C>T (p.Arg935Ter)

Gene: PNPLA7 (patatin like domain 7, lysophospholipase; minus strand). Cytogenetic location: 9q34.3.
Variant type: single nucleotide variant.
Coding change: c.2803C>T on transcript NM_001098537.3 (MANE Select); coding-DNA position 2803, C replaced by T.
Protein change: p.Arg935Ter; replaces arginine 935 with a stop codon.
Molecular consequence: nonsense.
Genome position (GRCh38, 1-based): chr9:137,478,113, G>A on the plus strand (C>T on the coding strand, the complement: PNPLA7 is on the minus strand). VCF-style: chr9-137478113-G-A. GRCh37 (hg19) VCF-style: chr9-140372565-G-A.
Other names: c.2728C>T, p.Arg910Ter (NM_152286.5); short protein forms R910*, R935*.
Identifiers: ClinVar variation 2659826 (VCV002659826.24), dbSNP rs7034073, ClinGen allele CA5371224.

ClinVar aggregate classification (germline): Benign (1 of 4 stars; one submission).

Allele frequency attached by ClinVar (database versions not stated): gnomAD exomes 0.00045; ESP Exome Variant Server 0.00554; gnomAD 0.00609; ExAC 0.00668; TOPMed 0.00717; 1000 Genomes Project 0.00819; 1000 Genomes Project 30x 0.00874.
gnomAD v4.1: 1,515 of 1,354,622 alleles (0.11%); highest among the groups gnomAD compares: African/African-American, 2.1%; 19 homozygotes.

Submission:

CeGaT Center for Human Genetics Tuebingen
Classification: Benign. Last evaluated: 2022-05-01. Review status: criteria provided, single submitter. Criteria: CeGaT Center For Human Genetics Tuebingen Variant Classification Criteria Version 2. Collection method: clinical testing. Allele origin: germline. Affected: yes. Observed: 1 variant allele.
Comment: PNPLA7: BS1, BS2